The following is an entry in ClinVar:

NM_015450.3(POT1):c.883G>C (p.Ala295Pro)

Gene: POT1 (protection of telomeres 1; minus strand). Cytogenetic location: 7q31.33.
Variant type: single nucleotide variant.
Coding change: c.883G>C on transcript NM_015450.3 (MANE Select); coding-DNA position 883, G replaced by C.
Protein change: p.Ala295Pro; replaces alanine 295 with proline.
Molecular consequence: missense variant. On other transcripts: non-coding transcript variant (3).
Genome position (GRCh38, 1-based): chr7:124,851,938, C>G on the plus strand (G>C on the coding strand, the complement: POT1 is on the minus strand). VCF-style: chr7-124851938-C-G. GRCh37 (hg19) VCF-style: chr7-124491992-C-G.
Other names: c.490G>C, p.Ala164Pro (NM_001042594.2); short protein forms A164P, A295P.
Identifiers: ClinVar variation 664257 (VCV000664257.15), dbSNP rs1584764955, ClinGen allele CA369054487.

ClinVar aggregate classification (germline): Uncertain significance. Review status: criteria provided, multiple submitters, no conflicts (2 of 4 stars). 3 submissions from 3 submitters: Uncertain significance (3). Last evaluated 2026-01-19.

Conditions:
Hereditary cancer-predisposing syndrome. Also called: Tumor predisposition; Neoplastic Syndromes, Hereditary; Hereditary Cancer Syndrome; Hereditary neoplastic syndrome. Identifiers: Orphanet 140162, MedGen C0027672, MeSH D009386, MONDO:0015356.
Tumor predisposition syndrome 3 (TPDS3). Also called: Melanoma, cutaneous malignant, susceptibility to, 10; Glioma susceptibility 9; LONG TELOMERE SYNDROME, POT1-RELATED; POT1 Tumor Predisposition. Identifiers: Orphanet 618, MedGen C4014476, MONDO:0014368, OMIM 615848.

Allele frequency attached by ClinVar (database versions not stated): gnomAD exomes below 0.00001; TOPMed below 0.00001.
gnomAD v4.1: 3 of 1,607,646 alleles (0.00019%); highest among the groups gnomAD compares: Non-Finnish European, 0.00017%; no homozygotes.

Submissions (3):

Labcorp Genetics (formerly Invitae), Labcorp
Classification: Uncertain significance for Tumor predisposition syndrome 3. Last evaluated: 2026-01-19. Review status: criteria provided, single submitter. Criteria: Invitae Variant Classification Sherloc (09022015). Collection method: clinical testing. Allele origin: germline.
Comment: This sequence change replaces alanine, which is neutral and non-polar, with proline, which is neutral and non-polar, at codon 295 of the POT1 protein (p.Ala295Pro). This variant is not present in population databases (gnomAD no frequency). This variant has not been reported in the literature in individuals affected with POT1-related conditions. ClinVar contains an entry for this variant (Variation ID: 664257). Invitae Evidence Modeling of protein sequence and biophysical properties (such as structural, functional, and spatial information, amino acid conservation, physicochemical variation, residue mobility, and thermodynamic stability) indicates that this missense variant is not expected to disrupt POT1 protein function with a negative predictive value of 80%. In summary, the available evidence is currently insufficient to determine the role of this variant in disease. Therefore, it has been classified as a Variant of Uncertain Significance.

Ambry Genetics
Classification: Uncertain significance for Hereditary cancer-predisposing syndrome. Last evaluated: 2024-09-01. Review status: criteria provided, single submitter. Criteria: Ambry Variant Classification Scheme 2023. Collection method: clinical testing. Allele origin: germline.
Comment: The p.A295P variant (also known as c.883G>C), located in coding exon 7 of the POT1 gene, results from a G to C substitution at nucleotide position 883. The alanine at codon 295 is replaced by proline, an amino acid with highly similar properties. This amino acid position is not well conserved in available vertebrate species. In addition, this alteration is predicted to be tolerated by in silico analysis. Since supporting evidence is limited at this time, the clinical significance of this alteration remains unclear.

GeneDx
Classification: Uncertain significance. Last evaluated: 2024-06-27. Review status: criteria provided, single submitter. Criteria: GeneDx Variant Classification Process June 2021. Collection method: clinical testing. Allele origin: germline. Affected: yes.
Comment: Not observed at significant frequency in large population cohorts (gnomAD); In silico analysis indicates that this missense variant does not alter protein structure/function; Has not been previously published as pathogenic or benign to our knowledge